The following is an entry in ClinVar:

NM_001035.3(RYR2):c.1746T>A (p.Ser582Arg)

Gene: RYR2 (ryanodine receptor 2; plus strand). Cytogenetic location: 1q43.
Variant type: single nucleotide variant.
Coding change: c.1746T>A on transcript NM_001035.3 (MANE Select); coding-DNA position 1746, T replaced by A.
Protein change: p.Ser582Arg; replaces serine 582 with arginine.
Molecular consequence: missense variant.
Genome position (GRCh38, 1-based): chr1:237,491,843, T>A. VCF-style: chr1-237491843-T-A. GRCh37 (hg19) VCF-style: chr1-237655143-T-A.
Other names: short protein forms S582R.
Identifiers: ClinVar variation 4997773 (VCV004997773.1).

ClinVar aggregate classification (germline): Uncertain significance (1 of 4 stars; one submission).

Conditions:
RYR2-related disorder. Also called: RYR2-related condition.

Submission:

PreventionGenetics, part of Exact Sciences
Classification: Uncertain significance for RYR2-related condition. Last evaluated: 2025-01-28. Review status: criteria provided, single submitter. Criteria: ACMG Guidelines, 2015. Collection method: clinical testing. Allele origin: germline.
Comment: The RYR2 c.1746T>A variant is predicted to result in the amino acid substitution p.Ser582Arg. To our knowledge, this variant has not been reported in the literature or in a large population database (gnomAD), indicating this variant is rare. At this time, the clinical significance of this variant is uncertain due to the absence of conclusive functional and genetic evidence.